The following is an entry in ClinVar:

ClinVar aggregate classification (germline): Likely benign (1 of 4 stars; one submission).

Submission:

Mayo Clinic Laboratories, Mayo Clinic
Classification: Likely benign. Last evaluated: 2025-08-12. Review status: criteria provided, single submitter. Criteria: ACMG Guidelines, 2015. Collection method: clinical testing. Allele origin: germline. Observed: 1 variant allele.
Comment: BP4, BP7, PM2_supporting

NM_004787.4(SLIT2):c.4149C>A (p.Gly1383=)

Gene: SLIT2 (slit guidance ligand 2; plus strand). Cytogenetic location: 4p15.31.
Variant type: single nucleotide variant.
Coding change: c.4149C>A on transcript NM_004787.4 (MANE Select); coding-DNA position 4149, C replaced by A.
Protein change: p.Gly1383=; no amino-acid change (glycine 1383 retained).
Molecular consequence: synonymous variant.
Genome position (GRCh38, 1-based): chr4:20,617,451, C>A. VCF-style: chr4-20617451-C-A. GRCh37 (hg19) VCF-style: chr4-20619074-C-A.
Other names: p.Gly1383=; c.4137C>A, p.Gly1379= (NM_001289135.3); c.4125C>A, p.Gly1375= (NM_001289136.3).
Identifiers: ClinVar variation 4684782 (VCV004684782.1).